The following is an entry in ClinVar:

ClinVar aggregate classification (germline): Benign (0 of 4 stars; one submission).

Conditions:
GLS-related disorder. Also called: GLS-related condition.

Allele frequency attached by ClinVar (database versions not stated): gnomAD exomes 0.00156; gnomAD 0.00230; ExAC 0.00237; TOPMed 0.00297; 1000 Genomes Project 30x 0.01093; 1000 Genomes Project 0.01158.
gnomAD v4.1: 2,563 of 1,537,400 alleles (0.17%); highest among the groups gnomAD compares: East Asian, 5.4%; 72 homozygotes.

Submission:

PreventionGenetics, part of Exact Sciences
Classification: Benign for GLS-related condition. Last evaluated: 2019-08-01. Review status: no assertion criteria provided. Collection method: clinical testing. Allele origin: germline.
Comment: This variant is classified as benign based on ACMG/AMP sequence variant interpretation guidelines (Richards et al. 2015 PMID: 25741868, with internal and published modifications).

NM_014905.5(GLS):c.266A>C (p.His89Pro)

Genes: GLS (glutaminase; plus strand), LOC129935270 (ATAC-STARR-seq lymphoblastoid silent region 12188; plus strand). Cytogenetic location: 2q32.2.
Variant type: single nucleotide variant.
Coding change: c.266A>C on transcript NM_014905.5 (MANE Select); coding-DNA position 266, A replaced by C.
Protein change: p.His89Pro; replaces histidine 89 with proline.
Molecular consequence: missense variant.
Genome position (GRCh38, 1-based): chr2:190,881,350, A>C. VCF-style: chr2-190881350-A-C. GRCh37 (hg19) VCF-style: chr2-191746076-A-C.
Other names: c.266A>C, p.His89Pro (NM_001256310.2); short protein forms H89P.
Identifiers: ClinVar variation 3043609 (VCV003043609.2), dbSNP rs143584207, ClinGen allele CA2029159.
Genomic context (GRCh38, chr2:190,881,350, plus strand): 5'-CGCGGGGCCTGTCCAGCTCTCCTTCGGAGATCTTGCAGGAGCTGGGCAAGGGGAGCACGC[A>C]TCCGCAGCCCGGGGTGTCGCCACCCGCTGCCCCGGCGGCGCCCGGCCCCAAGGACGGCCC-3'
Protein context (NP_055720.3, residues 79-99): ILQELGKGST[His89Pro]PQPGVSPPAA